The following is an entry in ClinVar:

ClinVar aggregate classification (germline): Uncertain significance (1 of 4 stars; one submission).

Submission:

Ambry Genetics
Classification: Uncertain significance. Last evaluated: 2023-02-28. Review status: criteria provided, single submitter. Criteria: Ambry Variant Classification Scheme 2023. Collection method: clinical testing. Allele origin: germline.
Comment: The p.D1210V variant (also known as c.3629A>T), located in coding exon 31 of the PRKDC gene, results from an A to T substitution at nucleotide position 3629. The aspartic acid at codon 1210 is replaced by valine, an amino acid with highly dissimilar properties. This amino acid position is conserved. In addition, the in silico prediction for this alteration is inconclusive. Since supporting evidence is limited at this time, the clinical significance of this alteration remains unclear.

NM_006904.7(PRKDC):c.3629A>T (p.Asp1210Val)

Gene: PRKDC (protein kinase, DNA-activated, catalytic subunit; minus strand). Cytogenetic location: 8q11.21.
Variant type: single nucleotide variant.
Coding change: c.3629A>T on transcript NM_006904.7 (MANE Select); coding-DNA position 3629, A replaced by T.
Protein change: p.Asp1210Val; replaces aspartic acid 1210 with valine.
Molecular consequence: missense variant.
Genome position (GRCh38, 1-based): chr8:47,893,357, T>A on the plus strand (A>T on the coding strand, the complement: PRKDC is on the minus strand). VCF-style: chr8-47893357-T-A. GRCh37 (hg19) VCF-style: chr8-48805917-T-A.
Other names: c.3629A>T, p.Asp1210Val (NM_001081640.2); short protein forms D1210V.
Identifiers: ClinVar variation 2449900 (VCV002449900.2), dbSNP rs2551874360, ClinGen allele CA371151159.